The following is an entry in ClinVar:

ClinVar aggregate classification (germline): Conflicting classifications of pathogenicity. Review status: criteria provided, conflicting classifications (1 of 4 stars). 5 submissions from 5 submitters: Uncertain significance (1); Likely benign (2). 2 of the submissions do not count toward it. Last evaluated 2025-11-15.

Conditions:
ANKRD26-related disorder. Also called: ANKRD26-related condition.

Submissions (5):

Labcorp Genetics (formerly Invitae), Labcorp
Classification: Likely benign. Last evaluated: 2025-11-15. Review status: criteria provided, single submitter. Criteria: Invitae Variant Classification Sherloc (09022015). Collection method: clinical testing. Allele origin: germline.

Blueprint Genetics
Classification: Likely benign. Last evaluated: 2024-07-04. Review status: criteria provided, single submitter. Criteria: ACMG Guidelines, 2015. Collection method: clinical testing. Allele origin: germline.

GeneDx
Classification: Uncertain significance. Last evaluated: 2021-03-09. Review status: criteria provided, single submitter. Criteria: GeneDx Variant Classification Process June 2021. Collection method: clinical testing. Allele origin: germline. Affected: yes.
Comment: In-frame deletion of one amino acid in a non-repeat region; Has not been previously published as pathogenic or benign to our knowledge; In-silico analysis, which includes splice predictors and evolutionary conservation, is inconclusive as to whether the variant alters gene splicing. In the absence of RNA/functional studies, the actual effect of this sequence change is unknown.; In silico analysis supports that this variant does not alter protein structure/function

PreventionGenetics, part of Exact Sciences
Classification: Likely benign for ANKRD26-related condition. Last evaluated: 2024-03-27. Review status: no assertion criteria provided. Collection method: clinical testing. Allele origin: germline. Not counted in ClinVar's aggregate classification.
Comment: This variant is classified as likely benign based on ACMG/AMP sequence variant interpretation guidelines (Richards et al. 2015 PMID: 25741868, with internal and published modifications).

Genetic Services Laboratory, University of Chicago
Classification: Uncertain significance. Last evaluated: 2022-06-20. Review status: no assertion criteria provided. Collection method: clinical testing. Allele origin: germline. Affected: no. Not counted in ClinVar's aggregate classification.
Comment: DNA sequence analysis of the ANKRD26 demonstrated a three base pair deletion in exon 18, c.1816_1818del. This in-frame deletion is predicted to result in the deletion of an amino acid residue, p.Ser606del. This deletion does not appear to have been previously described in individuals with ANKRD26 -related disorders. This sequence change has been described in the gnomAD database with a frequency of 0.24% in the African subpopulation (dbSNP rs564681878). The functional significance of this sequence change is not known at present and its contribution to this individual's disease phenotype cannot definitively be determined.

NM_014915.2(ANKRD26):c.1816_1818del

Gene: ANKRD26 (ankyrin repeat domain 26; minus strand). Cytogenetic location: 10p12.1.
Variant type: Microsatellite.
Coding change: c.1816_1818del on transcript NM_014915.2; coding-DNA positions 1816 to 1818, 3 bases deleted (AGT; older notation c.1816_1818delAGT).
Molecular consequence: splice acceptor variant (on NM_001256053.2).
Genome position (GRCh38, 1-based): chr10:27,046,520-27,046,522, ACT deleted on the plus strand (AGT on the coding strand, the reverse complement: ANKRD26 is on the minus strand); deleting any 3 consecutive bases within chr10:27,046,520-27,046,525 gives the same sequence; the c. name uses the placement nearest the transcript's 3' end. VCF-style (leftmost placement, unchanged base first): chr10-27046519-CACT-C. GRCh37 (hg19) VCF-style: chr10-27335448-CACT-C.
Other names: c.1815-2_1815del (NM_001256053.2); c.1816_1818delAGT (NM_014915.2).
Identifiers: ClinVar variation 1312615 (VCV001312615.12), dbSNP rs564681878, ClinGen allele CA5448390.